The following is an entry in ClinVar:

ClinVar aggregate classification (germline): Uncertain significance (1 of 4 stars; one submission).

gnomAD v4.1: 2 of 1,614,142 alleles (0.00012%); highest among the groups gnomAD compares: South Asian, 0.0022%; no homozygotes.

Submission:

Women's Health and Genetics/Laboratory Corporation of America, LabCorp
Classification: Uncertain significance. Last evaluated: 2026-02-09. Review status: criteria provided, single submitter. Criteria: LabCorp Variant Classification Summary - May 2015. Collection method: clinical testing. Allele origin: germline.
Comment: Variant summary: DSG2 c.3142G>T (p.Glu1048X) results in a premature termination codon in the last exon predicted to cause a truncation of the encoded protein, however, nonsense mediated decay is not expected to occur. The variant allele was found at a frequency of 4e-06 in 249448 control chromosomes. The available data on variant occurrences in the general population are insufficient to allow any conclusion about variant significance. To our knowledge, no occurrence of c.3142G>T in individuals affected with DSG2-related conditions and no experimental evidence demonstrating its impact on protein function have been reported. No submitters have cited clinical-significance assessments for this variant to ClinVar. Based on the evidence outlined above, the variant was classified as uncertain significance.

NM_001943.5(DSG2):c.3142G>T (p.Glu1048Ter)

Genes: DSG2 (desmoglein 2; plus strand), DSG2-AS1 (DSG2 antisense RNA 1; minus strand). Cytogenetic location: 18q12.1.
Variant type: single nucleotide variant.
Coding change: c.3142G>T on transcript NM_001943.5 (MANE Select); coding-DNA position 3142, G replaced by T.
Protein change: p.Glu1048Ter; replaces glutamic acid 1048 with a stop codon.
Molecular consequence: nonsense.
Genome position (GRCh38, 1-based): chr18:31,546,528, G>T. VCF-style: chr18-31546528-G-T. GRCh37 (hg19) VCF-style: chr18-29126491-G-T.
Other names: short protein forms E1048*.
Identifiers: ClinVar variation 4847976 (VCV004847976.1).
Genomic context (GRCh38, chr18:31,546,528, plus strand): 5'-GGTGTGCAGCCTACTCTGGCCATGCCTAATATAGCAGTAGGACAGAATGTGACAGTGACA[G>T]AAAGAGTTCTAGCACCTGCTTCCACTCTGCAATCCAGTTACCAGATTCCCACTGAAAATT-3'